The following is an entry in ClinVar:

NM_001128840.3(CACNA1D):c.6101G>A (p.Arg2034Gln)

Gene: CACNA1D (calcium voltage-gated channel subunit alpha1 D; plus strand). Cytogenetic location: 3p21.1.
Variant type: single nucleotide variant.
Coding change: c.6101G>A on transcript NM_001128840.3 (MANE Select); coding-DNA position 6101, G replaced by A.
Protein change: p.Arg2034Gln; replaces arginine 2034 with glutamine.
Molecular consequence: missense variant.
Genome position (GRCh38, 1-based): chr3:53,810,207, G>A. VCF-style: chr3-53810207-G-A. GRCh37 (hg19) VCF-style: chr3-53844234-G-A.
Other names: c.6161G>A (NM_000720.3); c.6161G>A, p.Arg2054Gln (NM_000720.4); c.6029G>A, p.Arg2010Gln (NM_001128839.3); short protein forms R2010Q, R2034Q, R2054Q.
Identifiers: ClinVar variation 1201900 (VCV001201900.13), dbSNP rs771758707, ClinGen allele CA2455365.

ClinVar aggregate classification (germline): Conflicting classifications of pathogenicity. Review status: criteria provided, conflicting classifications (1 of 4 stars). 5 submissions from 5 submitters: Uncertain significance (4); Likely benign (1). Last evaluated 2025-12-02.

Conditions:
Sinoatrial node dysfunction and deafness (SANDD). Identifiers: Orphanet 324321, MedGen C3554018, MONDO:0013960, OMIM 614896.
CACNA1D-related disorder.

Allele frequency attached by ClinVar (database versions not stated): gnomAD 0.00001; TOPMed 0.00001; gnomAD exomes 0.00006 and 0.00010; ExAC 0.00007.
gnomAD v4.1: 91 of 1,613,820 alleles (0.0056%); highest among the groups gnomAD compares: South Asian, 0.059%; 1 homozygote.

Submissions (5):

PreventionGenetics, part of Exact Sciences
Classification: Uncertain significance for CACNA1D-related condition. Last evaluated: 2025-12-02. Review status: criteria provided, single submitter. Criteria: ACMG Guidelines, 2015. Collection method: clinical testing. Allele origin: germline.
Comment: The CACNA1D c.6161G>A variant is predicted to result in the amino acid substitution p.Arg2054Gln. To our knowledge, this variant has not been reported in the literature. This variant is reported in 0.069% of alleles in individuals of South Asian descent in gnomAD. Although we suspect that this variant may be benign, at this time, the clinical significance of this variant is uncertain due to the absence of conclusive functional and genetic evidence.

GeneDx
Classification: Uncertain significance. Last evaluated: 2025-11-13. Review status: criteria provided, single submitter. Criteria: GeneDx Variant Classification Process June 2021. Collection method: clinical testing. Allele origin: germline. Affected: yes.
Comment: In silico analysis supports that this missense variant has a deleterious effect on protein structure/function; Has not been previously published as pathogenic or benign to our knowledge

Labcorp Genetics (formerly Invitae), Labcorp
Classification: Likely benign. Last evaluated: 2025-09-13. Review status: criteria provided, single submitter. Criteria: Invitae Variant Classification Sherloc (09022015). Collection method: clinical testing. Allele origin: germline.

Blueprint Genetics
Classification: Uncertain significance. Last evaluated: 2024-06-07. Review status: criteria provided, single submitter. Criteria: ACMG Guidelines, 2015. Collection method: clinical testing. Allele origin: germline.

Department of Pathology and Laboratory Medicine, Sinai Health System
Classification: Uncertain significance for sinoatrial node dysfunction and deafness. Last evaluated: 2022-02-03. Review status: criteria provided, single submitter. Criteria: ACMG Guidelines, 2015. Collection method: research. Allele origin: germline.